The following is an entry in ClinVar:

NM_000238.4(KCNH2):c.3437C>T (p.Thr1146Ile)

Gene: KCNH2 (potassium voltage-gated channel subfamily H member 2; minus strand). Cytogenetic location: 7q36.1.
Variant type: single nucleotide variant.
Coding change: c.3437C>T on transcript NM_000238.4 (MANE Select); coding-DNA position 3437, C replaced by T.
Protein change: p.Thr1146Ile; replaces threonine 1146 with isoleucine.
Molecular consequence: missense variant. On other transcripts: non-coding transcript variant (2).
Genome position (GRCh38, 1-based): chr7:150,945,408, G>A on the plus strand (C>T on the coding strand, the complement: KCNH2 is on the minus strand). VCF-style: chr7-150945408-G-A. GRCh37 (hg19) VCF-style: chr7-150642496-G-A.
Other names: c.3149C>T, p.Thr1050Ile (NM_001406753.1); c.2417C>T, p.Thr806Ile (NM_172057.3); short protein forms T1050I, T1146I, T806I.
Identifiers: ClinVar variation 4753709 (VCV004753709.1).
Genomic context (GRCh38, chr7:150,945,408, plus strand): 5'-CACACTGGGCAGCCCCACTAACTGCCCGGGTCCGAGCCGTGTCTGTGCAGGGGCTGGGAG[G>A]TGAGGGCCCCCAGCTGGCCCGGTAGGGAGAGGCGTCGTGTGGGGCCTTCTTGGGGAAGCT-3'
Protein context (NP_000229.1, residues 1136-1156): LSLPGQLGAL[Thr1146Ile]SQPLHRHGSD

ClinVar aggregate classification (germline): Uncertain significance (1 of 4 stars; one submission).

Conditions:
Long QT syndrome (LQTS). Identifiers: MedGen C0023976, MeSH D008133, MONDO:0002442. Disease mechanism: loss of function. Inheritance: Various modes of inheritance.

gnomAD v4.1: 1 of 1,584,326 alleles (0.000063%); highest among the groups gnomAD compares: Non-Finnish European, 0.000086%; no homozygotes.

Submission:

Labcorp Genetics (formerly Invitae), Labcorp
Classification: Uncertain significance for Long QT syndrome. Last evaluated: 2026-01-04. Review status: criteria provided, single submitter. Criteria: Invitae Variant Classification Sherloc (09022015). Collection method: clinical testing. Allele origin: germline.
Comment: This sequence change replaces threonine, which is neutral and polar, with isoleucine, which is neutral and non-polar, at codon 1146 of the KCNH2 protein (p.Thr1146Ile). This variant is present in population databases (no rsID available, gnomAD 0.007%). This variant has not been reported in the literature in individuals affected with KCNH2-related conditions. An algorithm developed to predict the effect of missense changes on protein structure and function (PolyPhen-2) suggests that this variant is likely to be disruptive. In summary, the available evidence is currently insufficient to determine the role of this variant in disease. Therefore, it has been classified as a Variant of Uncertain Significance.